The following is an entry in ClinVar:

ClinVar aggregate classification (germline): Likely benign. Review status: criteria provided, single submitter (1 of 4 stars). 2 submissions from 2 submitters: Likely benign (1). 1 of the submissions does not count toward it. Last evaluated 2025-08-01.

Conditions:
Bardet-Biedl syndrome (BBS). Identifiers: Orphanet 110, MedGen C0752166, MONDO:0015229.
BBS2-related disorder. Also called: BBS2-related disorders; BBS2-related condition. Identifiers: MedGen CN239228.

Allele frequency attached by ClinVar (database versions not stated): TOPMed 0.00001.
gnomAD v4.1: 1 of 1,614,096 alleles (0.000062%); highest among the groups gnomAD compares: Non-Finnish European, 0.000085%; no homozygotes.

Submissions (2):

Labcorp Genetics (formerly Invitae), Labcorp
Classification: Likely benign for Bardet-Biedl syndrome. Last evaluated: 2025-08-01. Review status: criteria provided, single submitter. Criteria: Invitae Variant Classification Sherloc (09022015). Collection method: clinical testing. Allele origin: germline.

PreventionGenetics, part of Exact Sciences
Classification: Likely benign for BBS2-related condition. Last evaluated: 2019-08-09. Review status: no assertion criteria provided. Collection method: clinical testing. Allele origin: germline. Not counted in ClinVar's aggregate classification.
Comment: This variant is classified as likely benign based on ACMG/AMP sequence variant interpretation guidelines (Richards et al. 2015 PMID: 25741868, with internal and published modifications).

NM_031885.5(BBS2):c.2091T>G (p.Ala697=)

Gene: BBS2 (Bardet-Biedl syndrome 2; minus strand). Cytogenetic location: 16q13.
Variant type: single nucleotide variant.
Coding change: c.2091T>G on transcript NM_031885.5 (MANE Select); coding-DNA position 2091, T replaced by G.
Protein change: p.Ala697=; no amino-acid change (alanine 697 retained).
Molecular consequence: synonymous variant. On other transcripts: non-coding transcript variant (5).
Genome position (GRCh38, 1-based): chr16:56,484,836, A>C on the plus strand (T>G on the coding strand, the complement: BBS2 is on the minus strand). VCF-style: chr16-56484836-A-C. GRCh37 (hg19) VCF-style: chr16-56518748-A-C.
Other names: c.2091T>G (NM_031885.3); c.2091T>G, p.Ala697= (NM_001377456.1).
Identifiers: ClinVar variation 1549123 (VCV001549123.9), dbSNP rs1412519720, ClinGen allele CA495582959.